The following is an entry in ClinVar:

NM_001939.3(DRP2):c.106C>A (p.Pro36Thr)

Gene: DRP2 (dystrophin related protein 2; plus strand). Cytogenetic location: Xq22.1.
Variant type: single nucleotide variant.
Coding change: c.106C>A on transcript NM_001939.3 (MANE Select); coding-DNA position 106, C replaced by A.
Protein change: p.Pro36Thr; replaces proline 36 with threonine.
Molecular consequence: missense variant. On other transcripts: intron variant (1).
Genome position (GRCh38, 1-based): chrX:101,231,753, C>A. VCF-style: chrX-101231753-C-A. GRCh37 (hg19) VCF-style: chrX-100486742-C-A.
Other names: c.-117-4107C>A (NM_001171184.2); short protein forms P36T.
Identifiers: ClinVar variation 2982917 (VCV002982917.3), dbSNP rs749021382, ClinGen allele CA10471994.
Genomic context (GRCh38, chrX:101,231,753, plus strand): 5'-TGTCATGACTGGCAGGCAGCTGACCAGTTCCATCATAGCAGCAGCCTCCGAAGCACCTGC[C>A]CCCACCCTCAGGTAAGAGTCTGATAGTGAAAGAAAGACCTGTGGAGAAAGTGGACACAGG-3'
Protein context (NP_001930.2, residues 26-46): HHSSSLRSTC[Pro36Thr]HPQVRAAVTS

ClinVar aggregate classification (germline): Uncertain significance (1 of 4 stars; one submission).

Allele frequency attached by ClinVar (database versions not stated): ExAC 0.00001; gnomAD 0.00001; TOPMed 0.00002.
gnomAD v4.1: 2 of 1,203,978 alleles (0.00017%); highest among the groups gnomAD compares: African/African-American, 0.0035%; no homozygotes.

Submission:

Labcorp Genetics (formerly Invitae), Labcorp
Classification: Uncertain significance. Last evaluated: 2023-08-18. Review status: criteria provided, single submitter. Criteria: Invitae Variant Classification Sherloc (09022015). Collection method: clinical testing. Allele origin: germline.
Comment: In summary, the available evidence is currently insufficient to determine the role of this variant in disease. Therefore, it has been classified as a Variant of Uncertain Significance. An algorithm developed to predict the effect of missense changes on protein structure and function (PolyPhen-2) suggests that this variant is likely to be tolerated. This variant has not been reported in the literature in individuals affected with DRP2-related conditions. The frequency data for this variant in the population databases is considered unreliable, as metrics indicate poor data quality at this position in the gnomAD database. This sequence change replaces proline, which is neutral and non-polar, with threonine, which is neutral and polar, at codon 36 of the DRP2 protein (p.Pro36Thr).